The following is an entry in ClinVar:

NM_000329.3(RPE65):c.718G>T (p.Val240Phe)

Gene: RPE65 (retinoid isomerohydrolase RPE65; minus strand). Cytogenetic location: 1p31.3.
Variant type: single nucleotide variant.
Coding change: c.718G>T on transcript NM_000329.3 (MANE Select); coding-DNA position 718, G replaced by T.
Protein change: p.Val240Phe; replaces valine 240 with phenylalanine.
Molecular consequence: missense variant.
Genome position (GRCh38, 1-based): chr1:68,439,568, C>A on the plus strand (G>T on the coding strand, the complement: RPE65 is on the minus strand). VCF-style: chr1-68439568-C-A. GRCh37 (hg19) VCF-style: chr1-68905251-C-A.
Other names: short protein forms V240F.
Identifiers: ClinVar variation 559520 (VCV000559520.19), dbSNP rs192907397, ClinGen allele CA902422.

ClinVar aggregate classification (germline): Likely pathogenic. Review status: criteria provided, multiple submitters, no conflicts (2 of 4 stars). 8 submissions from 8 submitters: Likely pathogenic (8). Last evaluated 2026-05-19.

Conditions:
Retinitis pigmentosa 20 (RP20). Identifiers: Orphanet 791, MedGen C3151086, MONDO:0013425, OMIM 613794.
Leber congenital amaurosis 2 (LCA2). Also called: AMAUROSIS CONGENITA OF LEBER II; Autosomal Recessive RPE65-Related Retinal Degeneration. Identifiers: Orphanet 65, MedGen C1859844, MONDO:0008765, OMIM 204100. Disease mechanism: loss of function.
RPE65-related recessive retinopathy. Also called: Recessive RPE65 retinopathy. Identifiers: MedGen CN305526, MONDO:0100368.
RPE65-related disorder. Also called: RPE65-related condition; RPE65-related disorders. Identifiers: MedGen CN239301.
Leber congenital amaurosis (LCA). Also called: Leber's amaurosis. Identifiers: Orphanet 65, MedGen C0339527, MeSH D057130, MONDO:0018998.
Retinitis pigmentosa 87 with choroidal involvement. Identifiers: MedGen C5231465, MONDO:0032873, OMIM 618697.

Allele frequency attached by ClinVar (database versions not stated): 1000 Genomes Project 0.00020; 1000 Genomes Project 30x 0.00031.
gnomAD v4.1: 56 of 1,613,788 alleles (0.0035%); highest among the groups gnomAD compares: Admixed American, 0.025%; no homozygotes.

Submissions (8):

Myriad Genetics, Inc.
Classification: Likely pathogenic for RPE65-related recessive retinopathy. Last evaluated: 2026-05-19. Review status: criteria provided, single submitter. Criteria: Myriad Autosomal Dominant, Autosomal Recessive and X-Linked Classification Criteria (2023). Collection method: clinical testing. Allele origin: unknown.
Comment: NM_000329.2(RPE65):c.718G>T(V240F) is a missense variant classified as likely pathogenic in the context of inherited retinal dystrophy, RPE65-related. V240F has been observed in cases with relevant disease (PMID: 30870047, 39469149, 39858579, 41009968, 41251530). Relevant functional assessments of this variant are not available in the literature. V240F has been observed in referenced population frequency databases. In summary, NM_000329.2(RPE65):c.718G>T(V240F) is a missense variant that has been observed more frequently in cases with the relevant disease than in healthy populations. Please note: this variant was assessed in the context of healthy population screening.

PreventionGenetics, part of Exact Sciences
Classification: Likely pathogenic for RPE65-related condition. Last evaluated: 2025-12-10. Review status: criteria provided, single submitter. Criteria: ACMG Guidelines, 2015. Collection method: clinical testing. Allele origin: germline.
Comment: The RPE65 c.718G>T variant is predicted to result in the amino acid substitution p.Val240Phe. This variant has been reported in the compound heterozygous state in a pair of siblings with Leber congenital amaurosis (Glen et al. 2019. PubMed ID: 30870047). This variant is present in 0.012% of alleles in individuals of Latino descent in gnomAD. This variant is interpreted as likely pathogenic.

Labcorp Genetics (formerly Invitae), Labcorp
Classification: Likely pathogenic for Leber congenital amaurosis 2; Retinitis pigmentosa 20. Last evaluated: 2025-11-17. Review status: criteria provided, single submitter. Criteria: Invitae Variant Classification Sherloc (09022015). Collection method: clinical testing. Allele origin: germline.
Comment: This sequence change replaces valine, which is neutral and non-polar, with phenylalanine, which is neutral and non-polar, at codon 240 of the RPE65 protein (p.Val240Phe). This variant is present in population databases (rs192907397, gnomAD 0.01%). This missense change has been observed in individual(s) with autosomal recessive RPE65-related conditions (PMID: 30870047; internal data). In at least one individual the data is consistent with being in trans (on the opposite chromosome) from a pathogenic variant. It has also been observed to segregate with disease in related individuals. ClinVar contains an entry for this variant (Variation ID: 559520). Invitae Evidence Modeling of protein sequence and biophysical properties (such as structural, functional, and spatial information, amino acid conservation, physicochemical variation, residue mobility, and thermodynamic stability) indicates that this missense variant is not expected to disrupt RPE65 protein function with a negative predictive value of 80%. In summary, the currently available evidence indicates that the variant is pathogenic, but additional data are needed to prove that conclusively. Therefore, this variant has been classified as Likely Pathogenic.

Natera, Inc.
Classification: Likely pathogenic for Leber congenital amaurosis. Last evaluated: 2025-10-14. Review status: criteria provided, single submitter. Criteria: Natera Variant Classification Schema (03/2026). Collection method: clinical testing. Allele origin: germline.
Comment: The c.718G>T variant in RPE65 is a missense variant predicted to cause substitution of valine to phenylalanine at amino acid 240. This variant is rare in the general population with a frequency below the threshold expected for the associated phenotype(s). This variant has been observed in one or more individuals affected with the associated recessive disease, as either homozygous or compound heterozygous with a second variant (PMID: 30870047, 39858579). Additionally, this variant has been observed to segregate in affected family members (PMID: 30870047). Given the available evidence, this variant is classified as Likely Pathogenic.

Blueprint Genetics
Classification: Likely pathogenic for RPE65-related disorders. Last evaluated: 2024-11-20. Review status: criteria provided, single submitter. Criteria: ACMG Guidelines, 2015. Collection method: clinical testing. Allele origin: germline. Affected: yes. Observed: 5 variant alleles.

Fulgent Genetics
Classification: Likely pathogenic for Leber congenital amaurosis 2; Retinitis pigmentosa 20; Retinitis pigmentosa 87 with choroidal involvement. Last evaluated: 2024-04-26. Review status: criteria provided, single submitter. Criteria: ACMG Guidelines, 2015. Collection method: clinical testing. Allele origin: germline.

Institute of Medical Genetics and Applied Genomics, University Hospital Tübingen
Classification: Likely pathogenic for Retinitis pigmentosa 20. Last evaluated: 2023-06-05. Review status: criteria provided, single submitter. Criteria: ACMG Guidelines, 2015. Collection method: clinical testing. Allele origin: germline. Inheritance: Autosomal recessive inheritance. Affected: yes.

Cytogenetics and Genomics Laboratory, Medical University of South Carolina
Classification: Likely pathogenic for Leber congenital amaurosis. Last evaluated: 2018-06-01. Review status: criteria provided, single submitter. Criteria: ACMG Guidelines, 2015. Collection method: research. Allele origin: maternal. Affected: yes. Observed: 3 variant alleles.

Literature cited by the submitters: PubMed 30870047 (cited by 3 submitters); PubMed 39469149 (cited by Myriad Genetics, Inc.); PubMed 39858579 (cited by Myriad Genetics, Inc. and Natera, Inc.); PubMed 41009968 (cited by Myriad Genetics, Inc.); PubMed 41251530 (cited by Myriad Genetics, Inc.).